The following is an entry in ClinVar:

ClinVar aggregate classification (germline): Uncertain significance (1 of 4 stars; one submission).

Conditions:
Spastic paraplegia. Identifiers: MedGen C0037772, HP:0001258.

Allele frequency attached by ClinVar (database versions not stated): gnomAD exomes below 0.00001.
gnomAD v4.1: 1 of 1,614,248 alleles (0.000062%); highest among the groups gnomAD compares: South Asian, 0.0011%; no homozygotes.

Submission:

Labcorp Genetics (formerly Invitae), Labcorp
Classification: Uncertain significance for Spastic paraplegia. Last evaluated: 2021-08-05. Review status: criteria provided, single submitter. Criteria: Invitae Variant Classification Sherloc (09022015). Collection method: clinical testing. Allele origin: germline.
Comment: In summary, the available evidence is currently insufficient to determine the role of this variant in disease. Therefore, it has been classified as a Variant of Uncertain Significance. Advanced modeling of protein sequence and biophysical properties (such as structural, functional, and spatial information, amino acid conservation, physicochemical variation, residue mobility, and thermodynamic stability) performed at Invitae indicates that this missense variant is not expected to disrupt KIF5A protein function. This variant has not been reported in the literature in individuals affected with KIF5A-related conditions. This variant is not present in population databases (ExAC no frequency). This sequence change replaces serine with asparagine at codon 562 of the KIF5A protein (p.Ser562Asn). The serine residue is highly conserved and there is a small physicochemical difference between serine and asparagine.

NM_004984.4(KIF5A):c.1685G>A (p.Ser562Asn)

Gene: KIF5A (kinesin family member 5A; plus strand). Cytogenetic location: 12q13.3.
Variant type: single nucleotide variant.
Coding change: c.1685G>A on transcript NM_004984.4 (MANE Select); coding-DNA position 1685, G replaced by A.
Protein change: p.Ser562Asn; replaces serine 562 with asparagine.
Molecular consequence: missense variant.
Genome position (GRCh38, 1-based): chr12:57,572,695, G>A. VCF-style: chr12-57572695-G-A. GRCh37 (hg19) VCF-style: chr12-57966478-G-A.
Other names: c.1418G>A, p.Ser473Asn (NM_001354705.2); short protein forms S473N, S562N.
Identifiers: ClinVar variation 1372566 (VCV001372566.6), dbSNP rs2140165648, ClinGen allele CA385508115.
Genomic context (GRCh38, chr12:57,572,695, plus strand): 5'-ACCAGCGAAAACGAATTGCTGAGGTGCTGAACGGGCTGATGAAGGATCTGAGCGAGTTCA[G>A]TGTCATTGTGGGCAACGGGGAGATTAAGCTGGTGAGTGGTGAGAGACAGCAGCCTTGTTC-3'
Protein context (NP_004975.2, residues 552-572): NGLMKDLSEF[Ser562Asn]VIVGNGEIKL